The following is an entry in ClinVar:

NM_001376.5(DYNC1H1):c.12102+12G>A

Gene: DYNC1H1 (dynein cytoplasmic 1 heavy chain 1; plus strand). Cytogenetic location: 14q32.31.
Variant type: single nucleotide variant.
Coding change: c.12102+12G>A on transcript NM_001376.5 (MANE Select); 12 bases into the intron after coding-DNA position 12102, G replaced by A.
Molecular consequence: intron variant.
Genome position (GRCh38, 1-based): chr14:102,041,746, G>A. VCF-style: chr14-102041746-G-A. GRCh37 (hg19) VCF-style: chr14-102508083-G-A.
Identifiers: ClinVar variation 510987 (VCV000510987.1), dbSNP rs1290385011, ClinGen allele CA616355163.

ClinVar aggregate classification (germline): Likely benign (1 of 4 stars; one submission).

Submission:

GeneDx
Classification: Likely benign. Last evaluated: 2017-07-24. Review status: criteria provided, single submitter. Criteria: GeneDx Variant Classification (06012015). Collection method: clinical testing. Allele origin: germline. Affected: yes.
Comment: This variant is considered likely benign or benign based on one or more of the following criteria: it is a conservative change, it occurs at a poorly conserved position in the protein, it is predicted to be benign by multiple in silico algorithms, and/or has population frequency not consistent with disease.